The following is an entry in ClinVar:

ClinVar aggregate classification (germline): Uncertain significance. Review status: criteria provided, multiple submitters, no conflicts (2 of 4 stars). 2 submissions from 2 submitters: Uncertain significance (2). Last evaluated 2025-07-16.

Conditions:
Tuberous sclerosis 2 (TSC2). Identifiers: Orphanet 805, MedGen C1860707, MONDO:0013199, OMIM 613254.
Hereditary cancer-predisposing syndrome. Also called: Tumor predisposition; Hereditary neoplastic syndrome; Neoplastic Syndromes, Hereditary; Hereditary Cancer Syndrome. Identifiers: Orphanet 140162, MedGen C0027672, MeSH D009386, MONDO:0015356.

Submissions (2):

Ambry Genetics
Classification: Uncertain significance for Hereditary cancer-predisposing syndrome. Last evaluated: 2025-07-16. Review status: criteria provided, single submitter. Criteria: Ambry Variant Classification Scheme 2023. Collection method: clinical testing. Allele origin: germline.
Comment: The p.V982M variant (also known as c.2944G>A), located in coding exon 25 of the TSC2 gene, results from a G to A substitution at nucleotide position 2944. The valine at codon 982 is replaced by methionine, an amino acid with highly similar properties. This amino acid position is highly conserved in available vertebrate species. In addition, the in silico prediction for this alteration is inconclusive. Since supporting evidence is limited at this time, the clinical significance of this alteration remains unclear.

Labcorp Genetics (formerly Invitae), Labcorp
Classification: Uncertain significance for Tuberous sclerosis 2. Last evaluated: 2025-04-23. Review status: criteria provided, single submitter. Criteria: Invitae Variant Classification Sherloc (09022015). Collection method: clinical testing. Allele origin: germline.
Comment: This sequence change replaces valine, which is neutral and non-polar, with methionine, which is neutral and non-polar, at codon 982 of the TSC2 protein (p.Val982Met). This variant is not present in population databases (gnomAD no frequency). This variant has not been reported in the literature in individuals affected with TSC2-related conditions. ClinVar contains an entry for this variant (Variation ID: 2561948). Invitae Evidence Modeling of protein sequence and biophysical properties (such as structural, functional, and spatial information, amino acid conservation, physicochemical variation, residue mobility, and thermodynamic stability) indicates that this missense variant is not expected to disrupt TSC2 protein function with a negative predictive value of 95%. Algorithms developed to predict the effect of sequence changes on RNA splicing suggest that this variant may create or strengthen a splice site. In summary, the available evidence is currently insufficient to determine the role of this variant in disease. Therefore, it has been classified as a Variant of Uncertain Significance.

NM_000548.5(TSC2):c.2944G>A (p.Val982Met)

Gene: TSC2 (TSC complex subunit 2; plus strand). Cytogenetic location: 16p13.3.
Variant type: single nucleotide variant.
Coding change: c.2944G>A on transcript NM_000548.5 (MANE Select); coding-DNA position 2944, G replaced by A.
Protein change: p.Val982Met; replaces valine 982 with methionine.
Molecular consequence: missense variant. On other transcripts: intron variant (31).
Genome position (GRCh38, 1-based): chr16:2,077,704, G>A. VCF-style: chr16-2077704-G-A. GRCh37 (hg19) VCF-style: chr16-2127705-G-A.
Other names: c.2944G>A, p.Val982Met (NM_001114382.3, NM_001406663.1, NM_001406664.1); c.2833G>A, p.Val945Met (NM_001406670.1); c.2797G>A, p.Val933Met (NM_001406675.1, NM_001406676.1); c.2344G>A, p.Val782Met (NM_001406680.1, NM_001406682.1, NM_001406683.1 and 1 more transcripts); c.1600G>A, p.Val534Met (NM_001406689.1); c.1493+1119G>A (NM_001406693.1, NM_001406690.1, NM_001406692.1 and 5 more transcripts); c.2927+1119G>A (NM_001406667.1, NM_001406668.1); c.2237+1119G>A (NM_001406687.1, NM_001406685.1, NM_001318831.2 and 2 more transcripts); and 8 more; short protein forms V534M, V782M, V945M, V982M, V933M.
Identifiers: ClinVar variation 2561948 (VCV002561948.6), dbSNP rs773864188, ClinGen allele CA394281464.